The following is an entry in ClinVar:

ClinVar aggregate classification (germline): Likely benign (1 of 4 stars; one submission).

Submission:

GeneDx
Classification: Likely benign. Last evaluated: 2018-06-19. Review status: criteria provided, single submitter. Criteria: GeneDx Variant Classification (06012015). Collection method: clinical testing. Allele origin: germline. Affected: yes.
Comment: This variant is considered likely benign or benign based on one or more of the following criteria: it is a conservative change, it occurs at a poorly conserved position in the protein, it is predicted to be benign by multiple in silico algorithms, and/or has population frequency not consistent with disease.

NM_006516.4(SLC2A1):c.516+84_516+85del

Gene: SLC2A1 (solute carrier family 2 member 1; minus strand). Cytogenetic location: 1p34.2.
Variant type: Microsatellite.
Coding change: c.516+84_516+85del on transcript NM_006516.4 (MANE Select); bases 84 to 85 of the intron after coding-DNA position 516, 2 bases deleted (AG; older notation c.516+84_516+85delAG).
Molecular consequence: intron variant.
Genome position (GRCh38, 1-based): chr1:42,930,541-42,930,542, CT deleted on the plus strand (AG on the coding strand, the reverse complement: SLC2A1 is on the minus strand); deleting any 2 consecutive bases within chr1:42,930,541-42,930,544 gives the same sequence; the c. name uses the placement nearest the transcript's 3' end. VCF-style (leftmost placement, unchanged base first): chr1-42930540-ACT-A. GRCh37 (hg19) VCF-style: chr1-43396211-ACT-A.
Identifiers: ClinVar variation 675854 (VCV000675854.1), dbSNP rs145350047, ClinGen allele CA803526.